The following is an entry in ClinVar:

NM_002860.4(ALDH18A1):c.1134C>T (p.Ala378=)

Gene: ALDH18A1 (aldehyde dehydrogenase 18 family member A1; minus strand). Cytogenetic location: 10q24.1.
Variant type: single nucleotide variant.
Coding change: c.1134C>T on transcript NM_002860.4 (MANE Select); coding-DNA position 1134, C replaced by T.
Protein change: p.Ala378=; no amino-acid change (alanine 378 retained).
Molecular consequence: synonymous variant.
Genome position (GRCh38, 1-based): chr10:95,626,721, G>A on the plus strand (C>T on the coding strand, the complement: ALDH18A1 is on the minus strand). VCF-style: chr10-95626721-G-A. GRCh37 (hg19) VCF-style: chr10-97386478-G-A.
Other names: c.1128C>T, p.Ala376= (NM_001017423.2, NM_001323415.2); c.801C>T, p.Ala267= (NM_001323412.2, NM_001323416.2); c.1134C>T, p.Ala378= (NM_001323413.2, NM_001323414.2); c.1029C>T, p.Ala343= (NM_001323417.2); c.795C>T, p.Ala265= (NM_001323418.2); c.498C>T, p.Ala166= (NM_001323419.2).
Identifiers: ClinVar variation 680511 (VCV000680511.2), dbSNP rs749391185, ClinGen allele CA5620414.

ClinVar aggregate classification (germline): Likely benign. Review status: criteria provided, multiple submitters, no conflicts (2 of 4 stars). 2 submissions from 2 submitters: Likely benign (2). Last evaluated 2025-10-06.

Conditions:
Cutis laxa, autosomal dominant 3 (ADCL3). Identifiers: Orphanet 90348, MedGen C4225268, MONDO:0014706, OMIM 616603.
Autosomal dominant spastic paraplegia type 9. Identifiers: MedGen C1832669, MONDO:0015091.
de Barsy syndrome. Also called: Cutis laxa-corneal clouding-oligophrenia syndrome. Identifiers: Orphanet 2962, MedGen C0268354, MONDO:0017569.

Allele frequency attached by ClinVar (database versions not stated): ExAC 0.00001; gnomAD exomes below 0.00001.
gnomAD v4.1: 2 of 1,613,858 alleles (0.00012%); highest among the groups gnomAD compares: Non-Finnish European, 0.00017%; no homozygotes.

Submissions (2):

Labcorp Genetics (formerly Invitae), Labcorp
Classification: Likely benign for Autosomal dominant spastic paraplegia type 9; de Barsy syndrome; Cutis laxa, autosomal dominant 3. Last evaluated: 2025-10-06. Review status: criteria provided, single submitter. Criteria: Invitae Variant Classification Sherloc (09022015). Collection method: clinical testing. Allele origin: germline.

GeneDx
Classification: Likely benign. Last evaluated: 2018-03-20. Review status: criteria provided, single submitter. Criteria: GeneDx Variant Classification (06012015). Collection method: clinical testing. Allele origin: germline. Affected: yes.
Comment: This variant is considered likely benign or benign based on one or more of the following criteria: it is a conservative change, it occurs at a poorly conserved position in the protein, it is predicted to be benign by multiple in silico algorithms, and/or has population frequency not consistent with disease.